The following is an entry in ClinVar:

ClinVar aggregate classification (germline): Benign (1 of 4 stars; one submission).

Submission:

CeGaT Center for Human Genetics Tuebingen
Classification: Benign. Last evaluated: 2022-05-01. Review status: criteria provided, single submitter. Criteria: CeGaT Center For Human Genetics Tuebingen Variant Classification Criteria Version 2. Collection method: clinical testing. Allele origin: germline. Affected: yes. Observed: 1 variant allele.
Comment: ATXN2: BS1, BS2

NM_001372574.1(ATXN2):c.84GCC[4] (p.Pro31_Ala32insPro)

Genes: ATXN2 (ataxin 2; minus strand), LOC130008791 (ATAC-STARR-seq lymphoblastoid silent region 4872; plus strand). Cytogenetic location: 12q24.12.
Variant type: Microsatellite.
Coding change: c.84GCC[4] on transcript NM_001372574.1 (MANE Select); four copies in a row of the 3-base unit GCC starting at c.84; the reference has three copies in a row; one copy, 3 bases duplicated.
Protein change: p.Pro31_Ala32insPro.
Molecular consequence: inframe insertion. On other transcripts: non-coding transcript variant (1), intron variant (2).
Genome position (GRCh38, 1-based): chr12:111,598,943-111,598,945, GGC duplicated on the plus strand (GCC on the coding strand, the reverse complement: ATXN2 is on the minus strand); duplicating any 3 consecutive bases within chr12:111,598,943-111,598,951 gives the same sequence; the position shown is the placement nearest the transcript's 3' end. VCF-style (leftmost placement, unchanged base first): chr12-111598942-G-GGGC. GRCh37 (hg19) VCF-style: chr12-112036746-G-GGGC.
Other names: c.84GCC[4], p.Pro31_Ala32insPro (NM_002973.4); c.-28+624GCC[4] (NM_001310123.1); c.-65+624GCC[4] (NM_001310121.1).
Identifiers: ClinVar variation 2643321 (VCV002643321.24), dbSNP rs749703424, ClinGen allele CA6790946.